The following is an entry in ClinVar:

ClinVar aggregate classification (germline): Uncertain significance (1 of 4 stars; one submission).

Conditions:
Hypertrophic cardiomyopathy 14. Identifiers: MedGen C2750467, MONDO:0013197, OMIM 613251.

Allele frequency attached by ClinVar (database versions not stated): gnomAD exomes below 0.00001; TOPMed below 0.00001.

Submission:

Labcorp Genetics (formerly Invitae), Labcorp
Classification: Uncertain significance for Hypertrophic cardiomyopathy 14. Last evaluated: 2023-07-07. Review status: criteria provided, single submitter. Criteria: Invitae Variant Classification Sherloc (09022015). Collection method: clinical testing. Allele origin: germline.
Comment: This variant is not present in population databases (gnomAD no frequency). This sequence change creates a premature translational stop signal (p.Glu1297Glyfs*3) in the MYH6 gene. It is expected to result in an absent or disrupted protein product. However, the current clinical and genetic evidence is not sufficient to establish whether loss-of-function variants in MYH6 cause disease. This variant has not been reported in the literature in individuals affected with MYH6-related conditions. ClinVar contains an entry for this variant (Variation ID: 1461759). In summary, the available evidence is currently insufficient to determine the role of this variant in disease. Therefore, it has been classified as a Variant of Uncertain Significance.

NM_002471.4(MYH6):c.3890del (p.Glu1297fs)

Gene: MYH6 (myosin heavy chain 6; minus strand). Cytogenetic location: 14q11.2.
Variant type: Deletion.
Coding change: c.3890del on transcript NM_002471.4 (MANE Select); coding-DNA position 3890, one base deleted (A; older notation c.3890delA).
Protein change: p.Glu1297fs; shifts the reading frame from glutamic acid 1297.
Molecular consequence: frameshift variant.
Genome position (GRCh38, 1-based): chr14:23,389,481, T deleted on the plus strand (A on the coding strand, the reverse complement: MYH6 is on the minus strand). VCF-style (leftmost placement, unchanged base first): chr14-23389480-CT-C. GRCh37 (hg19) VCF-style: chr14-23858689-CT-C.
Other names: short protein forms E1297fs.
Identifiers: ClinVar variation 1461759 (VCV001461759.6), dbSNP rs1891159129, ClinGen allele CA2123411811.